The following is an entry in ClinVar:

NM_177438.3(DICER1):c.4888C>G (p.Arg1630Gly)

Gene: DICER1 (dicer 1, ribonuclease III; minus strand). Cytogenetic location: 14q32.13.
Variant type: single nucleotide variant.
Coding change: c.4888C>G on transcript NM_177438.3 (MANE Select); coding-DNA position 4888, C replaced by G.
Protein change: p.Arg1630Gly; replaces arginine 1630 with glycine.
Molecular consequence: missense variant. On other transcripts: non-coding transcript variant (6).
Genome position (GRCh38, 1-based): chr14:95,096,032, G>C on the plus strand (C>G on the coding strand, the complement: DICER1 is on the minus strand). VCF-style: chr14-95096032-G-C. GRCh37 (hg19) VCF-style: chr14-95562369-G-C.
Other names: c.4888C>G, p.Arg1630Gly (NM_001195573.1, NM_001271282.3, NM_001291628.2 and 13 more transcripts); c.4606C>G, p.Arg1536Gly (NM_001395686.1); c.4483C>G, p.Arg1495Gly (NM_001395687.1, NM_001395688.1, NM_001395689.1 and 2 more transcripts); c.4321C>G, p.Arg1441Gly (NM_001395691.1); c.3205C>G, p.Arg1069Gly (NM_001395697.1); short protein forms R1630G, R1495G, R1069G, R1441G, R1536G.
Identifiers: ClinVar variation 2586400 (VCV002586400.2), dbSNP rs549532374, ClinGen allele CA390866474.

ClinVar aggregate classification (germline): Uncertain significance (1 of 4 stars; one submission).

Conditions:
Hereditary cancer-predisposing syndrome. Also called: Hereditary neoplastic syndrome; Tumor predisposition; Hereditary Cancer Syndrome; Neoplastic Syndromes, Hereditary. Identifiers: Orphanet 140162, MedGen C0027672, MeSH D009386, MONDO:0015356.

Submission:

Ambry Genetics
Classification: Uncertain significance for Hereditary cancer-predisposing syndrome. Last evaluated: 2023-06-28. Review status: criteria provided, single submitter. Criteria: Ambry Variant Classification Scheme 2023. Collection method: clinical testing. Allele origin: germline.
Comment: The p.R1630G variant (also known as c.4888C>G), located in coding exon 22 of the DICER1 gene, results from a C to G substitution at nucleotide position 4888. The arginine at codon 1630 is replaced by glycine, an amino acid with dissimilar properties. This amino acid position is conserved. In addition, this alteration is predicted to be tolerated by in silico analysis. Since supporting evidence is limited at this time, the clinical significance of this alteration remains unclear.